The following is an entry in ClinVar:

NM_033380.3(COL4A5):c.1780-6T>G

Gene: COL4A5 (collagen type IV alpha 5 chain; plus strand). Cytogenetic location: Xq22.3.
Variant type: single nucleotide variant.
Coding change: c.1780-6T>G on transcript NM_033380.3 (MANE Select); 6 bases into the intron before coding-DNA position 1780, T replaced by G.
Molecular consequence: intron variant.
Genome position (GRCh38, 1-based): chrX:108,598,696, T>G. VCF-style: chrX-108598696-T-G. GRCh37 (hg19) VCF-style: chrX-107841926-T-G.
Other names: c.1780-6T>G (NM_000495.5).
Identifiers: ClinVar variation 587252 (VCV000587252.11), dbSNP rs1569494262, ClinGen allele CA891843929.
Genomic context (GRCh38, chrX:108,598,696, plus strand): 5'-TTCAGTACCAACCTACAGATAGTTGTTGTATCTATATGTTTCTGTATTAAACTTTTCCCT[T>G]TTTAGGGTGGAATTACTTTTAAGGGTGAAAGAGGTCCCCCTGGGAACCCAGGTTTACCAG-3'

ClinVar aggregate classification (germline): Pathogenic (1 of 4 stars; one submission).

Submission:

Labcorp Genetics (formerly Invitae), Labcorp
Classification: Pathogenic. Last evaluated: 2020-09-18. Review status: criteria provided, single submitter. Criteria: Invitae Variant Classification Sherloc (09022015). Collection method: clinical testing. Allele origin: germline.
Comment: This variant is not present in population databases (ExAC no frequency). For these reasons, this variant has been classified as Pathogenic. Experimental studies have shown that this variant disrupts mRNA splicing (PMID: 28013382). This variant has been observed in individual(s) with Alport syndrome (PMID: 28013382, Invitae). It has also been observed to segregate with disease in related individuals. ClinVar contains an entry for this variant (Variation ID: 587252). This sequence change falls in intron 24 of the COL4A5 gene. It does not directly change the encoded amino acid sequence of the COL4A5 protein.

Literature cited by the submitters: PubMed 28013382.